The following is an entry in ClinVar:

NM_014727.3(KMT2B):c.4747C>T (p.Leu1583Phe)

Gene: KMT2B (lysine methyltransferase 2B; plus strand). Cytogenetic location: 19q13.12.
Variant type: single nucleotide variant.
Coding change: c.4747C>T on transcript NM_014727.3 (MANE Select); coding-DNA position 4747, C replaced by T.
Protein change: p.Leu1583Phe; replaces leucine 1583 with phenylalanine.
Molecular consequence: missense variant.
Genome position (GRCh38, 1-based): chr19:35,729,044, C>T. VCF-style: chr19-35729044-C-T. GRCh37 (hg19) VCF-style: chr19-36219945-C-T.
Other names: short protein forms L1583F.
Identifiers: ClinVar variation 4086781 (VCV004086781.1).

ClinVar aggregate classification (germline): Uncertain significance (1 of 4 stars; one submission).

gnomAD v4.1: 1 of 1,614,022 alleles (0.000062%); highest among the groups gnomAD compares: Non-Finnish European, 0.000085%; no homozygotes.

Submission:

GeneDx
Classification: Uncertain significance. Last evaluated: 2025-03-17. Review status: criteria provided, single submitter. Criteria: GeneDx Variant Classification Process June 2021. Collection method: clinical testing. Allele origin: germline. Affected: yes.
Comment: Not observed at significant frequency in large population cohorts (gnomAD); In silico analysis supports that this missense variant has a deleterious effect on protein structure/function; Has not been previously published as pathogenic or benign to our knowledge